The following is an entry in ClinVar:

NM_001177316.2(SLC34A3):c.140T>A (p.Leu47His)

Gene: SLC34A3 (solute carrier family 34 member 3; plus strand). Cytogenetic location: 9q34.3.
Variant type: single nucleotide variant.
Coding change: c.140T>A on transcript NM_001177316.2 (MANE Select); coding-DNA position 140, T replaced by A.
Protein change: p.Leu47His; replaces leucine 47 with histidine.
Molecular consequence: missense variant.
Genome position (GRCh38, 1-based): chr9:137,232,126, T>A. VCF-style: chr9-137232126-T-A. GRCh37 (hg19) VCF-style: chr9-140126578-T-A.
Other names: c.140T>A, p.Leu47His (NM_001177317.2, NM_080877.3); short protein forms L47H.
Identifiers: ClinVar variation 1391236 (VCV001391236.8), dbSNP rs757815865, ClinGen allele CA5364218.

ClinVar aggregate classification (germline): Uncertain significance. Review status: criteria provided, multiple submitters, no conflicts (2 of 4 stars). 2 submissions from 2 submitters: Uncertain significance (2). Last evaluated 2021-07-28.

Conditions:
Autosomal recessive hypophosphatemic bone disease (HHRH). Also called: Hypophosphatemic rickets with hypercalciuria; HYPERCALCIURIC RICKETS. Identifiers: Orphanet 157215, MedGen C1853271, MONDO:0009431, OMIM 241530.

Allele frequency attached by ClinVar (database versions not stated): gnomAD exomes below 0.00001 and 0.00002; ExAC 0.00002.
gnomAD v4.1: 5 of 1,613,038 alleles (0.00031%); highest among the groups gnomAD compares: Admixed American, 0.0083%; no homozygotes.

Submissions (2):

Fulgent Genetics
Classification: Uncertain significance for Autosomal recessive hypophosphatemic bone disease. Last evaluated: 2021-07-28. Review status: criteria provided, single submitter. Criteria: ACMG Guidelines, 2015. Collection method: clinical testing. Allele origin: unknown.

Labcorp Genetics (formerly Invitae), Labcorp
Classification: Uncertain significance. Last evaluated: 2020-11-19. Review status: criteria provided, single submitter. Criteria: Invitae Variant Classification Sherloc (09022015). Collection method: clinical testing. Allele origin: germline.
Comment: This variant is present in population databases (rs757815865, ExAC 0.02%). This sequence change replaces leucine with histidine at codon 47 of the SLC34A3 protein (p.Leu47His). The leucine residue is weakly conserved and there is a moderate physicochemical difference between leucine and histidine. This variant has not been reported in the literature in individuals with SLC34A3-related conditions. Algorithms developed to predict the effect of missense changes on protein structure and function are either unavailable or do not agree on the potential impact of this missense change (SIFT: "Deleterious"; PolyPhen-2: "Possibly Damaging"; Align-GVGD: "Class C0"). In summary, the available evidence is currently insufficient to determine the role of this variant in disease. Therefore, it has been classified as a Variant of Uncertain Significance.